The following is an entry in ClinVar:

ClinVar aggregate classification (germline): Uncertain significance. Review status: criteria provided, multiple submitters, no conflicts (2 of 4 stars). 2 submissions from 2 submitters: Uncertain significance (2). Last evaluated 2025-08-13.

gnomAD v4.1: 2 of 1,614,078 alleles (0.00012%); highest among the groups gnomAD compares: African/African-American, 0.0027%; no homozygotes.

Submissions (2):

Ambry Genetics
Classification: Uncertain significance. Last evaluated: 2025-08-13. Review status: criteria provided, single submitter. Criteria: Ambry Variant Classification Scheme 2023. Collection method: clinical testing. Allele origin: germline.

Labcorp Genetics (formerly Invitae), Labcorp
Classification: Uncertain significance. Last evaluated: 2025-07-28. Review status: criteria provided, single submitter. Criteria: Invitae Variant Classification Sherloc (09022015). Collection method: clinical testing. Allele origin: germline.
Comment: This sequence change replaces glutamic acid, which is acidic and polar, with aspartic acid, which is acidic and polar, at codon 197 of the PSMB4 protein (p.Glu197Asp). This variant is not present in population databases (gnomAD no frequency). This variant has not been reported in the literature in individuals affected with PSMB4-related conditions. ClinVar contains an entry for this variant (Variation ID: 2051817). An algorithm developed to predict the effect of missense changes on protein structure and function outputs the following: PolyPhen-2: "Benign". The aspartic acid amino acid residue is found in multiple mammalian species, which suggests that this missense change does not adversely affect protein function. In summary, the available evidence is currently insufficient to determine the role of this variant in disease. Therefore, it has been classified as a Variant of Uncertain Significance.

NM_002796.3(PSMB4):c.591A>C (p.Glu197Asp)

Gene: PSMB4 (proteasome 20S subunit beta 4; plus strand). Cytogenetic location: 1q21.3.
Variant type: single nucleotide variant.
Coding change: c.591A>C on transcript NM_002796.3 (MANE Select); coding-DNA position 591, A replaced by C.
Protein change: p.Glu197Asp; replaces glutamic acid 197 with aspartic acid.
Molecular consequence: missense variant.
Genome position (GRCh38, 1-based): chr1:151,401,253, A>C. VCF-style: chr1-151401253-A-C. GRCh37 (hg19) VCF-style: chr1-151373729-A-C.
Other names: c.591A>C (NM_002796.2); short protein forms E197D.
Identifiers: ClinVar variation 2051817 (VCV002051817.5), dbSNP rs539703644, ClinGen allele CA341926149.
Genomic context (GRCh38, chr1:151,401,253, plus strand): 5'-TTATTCAGCCCAATATCCCCCCATGGTTTTCCCCCAATCTCCCTAGCCTCTGCTGCGAGA[A>C]GTTCTGGAGAAGCAGCCAGTGCTAAGCCAGACCGAGGCCCGCGACTTAGTAGAACGCTGC-3'
Protein context (NP_002787.2, residues 187-207): GAYLAQPLLR[Glu197Asp]VLEKQPVLSQ